The following is an entry in ClinVar:

ClinVar aggregate classification (germline): Uncertain significance. Review status: criteria provided, multiple submitters, no conflicts (2 of 4 stars). 2 submissions from 2 submitters: Uncertain significance (2). Last evaluated 2024-09-23.

Conditions:
Amyotrophic lateral sclerosis type 1 (ALS1). Also called: AMYOTROPHIC LATERAL SCLEROSIS 1, FAMILIAL. Identifiers: Orphanet 803, MedGen C1862939, MONDO:0007103, OMIM 105400.
Neuronopathy, distal hereditary motor, type 7B. Also called: NEURONOPATHY, DISTAL HEREDITARY MOTOR, AUTOSOMAL DOMINANT 14; NEURONOPATHY, DISTAL HEREDITARY MOTOR, HARDING TYPE VIIB; NEUROPATHY, DISTAL HEREDITARY MOTOR, HARDING TYPE VIIB; NEUROPATHY, DISTAL HEREDITARY MOTOR, WITH VOCAL CORD PARALYSIS, HARDING TYPE VIIB; HMN VIIB; LOWER MOTOR NEURON DISEASE, DYNACTIN TYPE. Identifiers: Orphanet 139589, MedGen C1843315, MONDO:0011879, OMIM 607641.
Perry syndrome. Also called: PARKINSONISM WITH ALVEOLAR HYPOVENTILATION AND MENTAL DEPRESSION. Identifiers: Orphanet 178509, MedGen C1868594, MONDO:0008201, OMIM 168605.

Submissions (2):

GeneDx
Classification: Uncertain significance. Last evaluated: 2024-09-23. Review status: criteria provided, single submitter. Criteria: GeneDx Variant Classification Process June 2021. Collection method: clinical testing. Allele origin: germline. Affected: yes.
Comment: Not observed at significant frequency in large population cohorts (gnomAD); In silico analysis supports that this missense variant has a deleterious effect on protein structure/function; Has not been previously published as pathogenic or benign to our knowledge

Labcorp Genetics (formerly Invitae), Labcorp
Classification: Uncertain significance for Amyotrophic lateral sclerosis type 1; Neuronopathy, distal hereditary motor, type 7B; Perry syndrome. Last evaluated: 2024-06-11. Review status: criteria provided, single submitter. Criteria: Invitae Variant Classification Sherloc (09022015). Collection method: clinical testing. Allele origin: germline.
Comment: This sequence change replaces aspartic acid, which is acidic and polar, with tyrosine, which is neutral and polar, at codon 490 of the DCTN1 protein (p.Asp490Tyr). This variant is not present in population databases (gnomAD no frequency). This variant has not been reported in the literature in individuals affected with DCTN1-related conditions. Advanced modeling of protein sequence and biophysical properties (such as structural, functional, and spatial information, amino acid conservation, physicochemical variation, residue mobility, and thermodynamic stability) performed at Invitae indicates that this missense variant is expected to disrupt DCTN1 protein function with a positive predictive value of 80%. In summary, the available evidence is currently insufficient to determine the role of this variant in disease. Therefore, it has been classified as a Variant of Uncertain Significance.

NM_004082.5(DCTN1):c.1468G>T (p.Asp490Tyr)

Gene: DCTN1 (dynactin subunit 1; minus strand). Cytogenetic location: 2p13.1.
Variant type: single nucleotide variant.
Coding change: c.1468G>T on transcript NM_004082.5 (MANE Select); coding-DNA position 1468, G replaced by T.
Protein change: p.Asp490Tyr; replaces aspartic acid 490 with tyrosine.
Molecular consequence: missense variant. On other transcripts: non-coding transcript variant (1).
Genome position (GRCh38, 1-based): chr2:74,369,416, C>A on the plus strand (G>T on the coding strand, the complement: DCTN1 is on the minus strand). VCF-style: chr2-74369416-C-A. GRCh37 (hg19) VCF-style: chr2-74596543-C-A.
Other names: c.1408G>T, p.Asp470Tyr (NM_001135040.3); c.1066G>T, p.Asp356Tyr (NM_001135041.3, NM_023019.4); c.1357G>T, p.Asp453Tyr (NM_001190836.2); c.1447G>T, p.Asp483Tyr (NM_001190837.2); c.1417G>T, p.Asp473Tyr (NM_001378991.1); c.1399G>T, p.Asp467Tyr (NM_001378992.1); short protein forms D356Y, D453Y, D467Y, D470Y, D473Y, D483Y, D490Y.
Identifiers: ClinVar variation 3750982 (VCV003750982.3).
Genomic context (GRCh38, chr2:74,369,416, plus strand): 5'-CCGTCTCCTGGGCTGCCTCCACACGCTTCTGGGCCTCACGAACCCGCGCGCCTGCCATGT[C>A]CAGCTGCTCCCGCAGCTCCAGTTCTGTCTCACGTGCATTCTCCTGCAGCTCATCGTTCAT-3'
Protein context (NP_004073.2, residues 480-500): ETELELREQL[Asp490Tyr]MAGARVREAQ